The following is an entry in ClinVar:

NM_005732.4(RAD50):c.552-1G>A

Gene: RAD50 (RAD50 double strand break repair protein; plus strand). Cytogenetic location: 5q31.1.
Variant type: single nucleotide variant.
Coding change: c.552-1G>A on transcript NM_005732.4 (MANE Select); the canonical splice acceptor site of the intron before coding-DNA position 552, G replaced by A.
Molecular consequence: splice acceptor variant.
Genome position (GRCh38, 1-based): chr5:132,579,861, G>A. VCF-style: chr5-132579861-G-A. GRCh37 (hg19) VCF-style: chr5-131915553-G-A.
Identifiers: ClinVar variation 484675 (VCV000484675.20), dbSNP rs1236278956, ClinGen allele CA360935342.
Genomic context (GRCh38, chr5:132,579,861, plus strand): 5'-TATGAATATATACCATAATTTACTTTGCCAGAAATTTGATTTTTGTTTCATATCTTCAAA[G>A]ATACATTAAAGCCTTAGAAACACTTCGGCAGGTACGTCAGACACAAGGTCAGAAAGTAAA-3'

ClinVar aggregate classification (germline): Pathogenic/Likely pathogenic. Review status: criteria provided, multiple submitters, no conflicts (2 of 4 stars). 6 submissions from 6 submitters: Pathogenic (1); Likely pathogenic (5). Last evaluated 2025-08-18.

Conditions:
Nijmegen breakage syndrome-like disorder (NBSLD). Also called: MICROCEPHALY AND SPONTANEOUS CHROMOSOME INSTABILITY WITHOUT IMMUNODEFICIENCY; NBS-LIKE DISORDER; RAD50 DEFICIENCY. Identifiers: Orphanet 240760, MedGen C2751318, MONDO:0013118, OMIM 613078.
Hereditary cancer-predisposing syndrome. Also called: Neoplastic Syndromes, Hereditary; Tumor predisposition; Hereditary Cancer Syndrome; Hereditary neoplastic syndrome. Identifiers: Orphanet 140162, MedGen C0027672, MeSH D009386, MONDO:0015356.
Hereditary breast ovarian cancer syndrome. Also called: Hereditary breast and ovarian cancer syndrome; Hereditary breast and ovarian cancer; Hereditary breast and ovarian cancer syndrome (HBOC); Breast and ovarian cancer; Hereditary breast and/or ovarian cancer syndrome; BRCA1- and BRCA2-Associated Hereditary Breast and Ovarian Cancer. Identifiers: Orphanet 145, MedGen C0677776, MeSH D061325, MONDO:0003582. Disease mechanism: loss of function.

Allele frequency attached by ClinVar (database versions not stated): gnomAD exomes below 0.00001 and 0.00001.
gnomAD v4.1: 2 of 1,607,466 alleles (0.00012%); highest among the groups gnomAD compares: Admixed American, 0.0033%; no homozygotes.

Submissions (6):

Labcorp Genetics (formerly Invitae), Labcorp
Classification: Likely pathogenic for Hereditary cancer-predisposing syndrome. Last evaluated: 2025-08-18. Review status: criteria provided, single submitter. Criteria: Invitae Variant Classification Sherloc (09022015). Collection method: clinical testing. Allele origin: germline.
Comment: This sequence change affects an acceptor splice site in intron 4 of the RAD50 gene. RNA analysis indicates that disruption of this splice site induces altered splicing and may result in an absent or altered protein product. This variant is present in population databases (no rsID available, gnomAD 0.006%). Disruption of this splice site has been observed in individual(s) with breast cancer (PMID: 24894818). ClinVar contains an entry for this variant (Variation ID: 484675). Studies have shown that disruption of this splice site results in activation of a cryptic splice site, and produces a non-functional protein and/or introduces a premature termination codon (internal data). In summary, the currently available evidence indicates that the variant is pathogenic, but additional data are needed to prove that conclusively. Therefore, this variant has been classified as Likely Pathogenic.

Baylor Genetics
Classification: Likely pathogenic for Nijmegen breakage syndrome-like disorder. Last evaluated: 2023-10-26. Review status: criteria provided, single submitter. Criteria: ACMG Guidelines, 2015. Collection method: clinical testing. Allele origin: unknown.

Women's Health and Genetics/Laboratory Corporation of America, LabCorp
Classification: Likely pathogenic for Hereditary breast ovarian cancer syndrome. Last evaluated: 2022-06-23. Review status: criteria provided, single submitter. Criteria: LabCorp Variant Classification Summary - May 2015. Collection method: clinical testing. Allele origin: germline.
Comment: Variant summary: RAD50 c.552-1G>A is located in a canonical splice-site and is predicted to affect mRNA splicing resulting in a significantly altered protein due to either exon skipping, shortening, or inclusion of intronic material. Several computational tools predict a significant impact on normal splicing: Three predict the variant abolishes a 3' acceptor site. However, these predictions have yet to be confirmed by functional studies. The variant allele was found at a frequency of 8e-06 in 249730 control chromosomes (gnomAD). c.552-1G>A has been reported in the literature in at least one individual affected with early-onset breast cancer (e.g. Damiola_2014). To our knowledge, no experimental evidence demonstrating an impact on protein function has been reported. Three clinical diagnostic laboratories have submitted clinical-significance assessments for this variant to ClinVar after 2014. Two laboratories classified the variant as likely pathogenic and one classified it as pathogenic. Based on the evidence outlined above, the variant was classified as likely pathogenic.

Sema4
Classification: Likely pathogenic for Nijmegen breakage syndrome-like disorder. Last evaluated: 2021-11-17. Review status: criteria provided, single submitter. Criteria: Sema4 Curation Guidelines. Collection method: curation. Allele origin: germline.
Comment: The RAD50 c.552-1G>A variant has been reported in heterozygosity in at least 1 individual with breast cancer (PMID: 24894818). This variant is predicted to abolish the canonical splice site leading to an abnormal or absent protein. Loss of function variants in RAD50 are known to be pathogenic (PMID: 16385572, 19409520). This variant was observed in 2/34488 chromosomes in the Latino population, according to the Genome Aggregation Database (PMID: 32461654). This variant has been reported in ClinVar (Variation ID: 484675). Based on the current evidence available, this variant is interpreted as likely pathogenic.

Ambry Genetics
Classification: Likely pathogenic for Hereditary cancer-predisposing syndrome. Last evaluated: 2019-03-06. Review status: criteria provided, single submitter. Criteria: Ambry Variant Classification Scheme 2023. Collection method: clinical testing. Allele origin: germline.
Comment: The c.552-1G>A intronic variant results from a G to A substitution one nucleotide upstream from coding exon 5 of the RAD50 gene. This variant was reported in 1/1313 early-onset breast cancer cases and 0/1123 population controls (Damiola F et al. Breast Cancer Res., 2014 Jun;16:R58). This nucleotide position is highly conserved in available vertebrate species. Using the BDGP and ESEfinder splice site prediction tools, this alteration is predicted to abolish the native splice acceptor site; however, direct evidence is unavailable. Alterations that disrupt the canonical splice site are expected to cause aberrant splicing, resulting in an abnormal protein or a transcript that is subject to nonsense-mediated mRNA decay. As such, this alteration is classified as likely pathogenic.

Revvity Omics, Revvity
Classification: Pathogenic for Nijmegen breakage syndrome-like disorder. Last evaluated: 2019-01-09. Review status: criteria provided, single submitter. Criteria: ACMG Guidelines, 2015. Collection method: clinical testing. Allele origin: germline.

Literature cited by the submitters: PubMed 24894818 (cited by 4 submitters); PubMed 16385572 (cited by Sema4); PubMed 19409520 (cited by Sema4).